The following is an entry in ClinVar:

NM_022051.3(EGLN1):c.235C>A (p.Pro79Thr)

Gene: EGLN1 (egl-9 family hypoxia inducible factor 1; minus strand). Cytogenetic location: 1q42.2.
Variant type: single nucleotide variant.
Coding change: c.235C>A on transcript NM_022051.3 (MANE Select); coding-DNA position 235, C replaced by A.
Protein change: p.Pro79Thr; replaces proline 79 with threonine.
Molecular consequence: missense variant.
Genome position (GRCh38, 1-based): chr1:231,421,654, G>T on the plus strand (C>A on the coding strand, the complement: EGLN1 is on the minus strand). VCF-style: chr1-231421654-G-T. GRCh37 (hg19) VCF-style: chr1-231557400-G-T.
Other names: c.235C>A, p.Pro79Thr (NM_001377260.1, NM_001377261.1); short protein forms P79T.
Identifiers: ClinVar variation 4016838 (VCV004016838.1).
Genomic context (GRCh38, chr1:231,421,654, plus strand): 5'-GCGCCGCTGCCTTCCTGGGCTCCCGGGCCCCGGCCCTGGGCGGCGGCACTGCAGCCGGCG[G>T]CGCGGGGCCGGAATGCTGGTGTGGGCCCACTCCGTGGCCGAGGGCGCCCTCGCTGCCCTG-3'
Protein context (NP_071334.1, residues 69-89): VGPHQHSGPA[Pro79Thr]PAAVPPPRAG

ClinVar aggregate classification (germline): Uncertain significance (1 of 4 stars; one submission).

gnomAD v4.1: 3 of 1,460,706 alleles (0.00021%); highest among the groups gnomAD compares: Non-Finnish European, 0.00027%; no homozygotes.

Submission:

Ambry Genetics
Classification: Uncertain significance. Last evaluated: 2025-05-31. Review status: criteria provided, single submitter. Criteria: Ambry Variant Classification Scheme 2023. Collection method: clinical testing. Allele origin: germline.
Comment: The p.P79T variant (also known as c.235C>A), located in coding exon 1 of the EGLN1 gene, results from a C to A substitution at nucleotide position 235. The proline at codon 79 is replaced by threonine, an amino acid with highly similar properties. This amino acid position is conserved. In addition, this alteration is predicted to be tolerated by in silico analysis. Based on the available evidence, the clinical significance of this variant remains unclear.